The following is an entry in ClinVar:

NM_014363.6(SACS):c.5380del (p.Glu1794fs)

Gene: SACS (sacsin molecular chaperone; minus strand). Cytogenetic location: 13q12.12.
Variant type: Deletion.
Coding change: c.5380del on transcript NM_014363.6 (MANE Select); coding-DNA position 5380, one base deleted (G; older notation c.5380delG).
Protein change: p.Glu1794fs; shifts the reading frame from glutamic acid 1794.
Molecular consequence: frameshift variant.
Genome position (GRCh38, 1-based): chr13:23,338,496, C deleted on the plus strand (G on the coding strand, the reverse complement: SACS is on the minus strand). VCF-style (leftmost placement, unchanged base first): chr13-23338495-TC-T. GRCh37 (hg19) VCF-style: chr13-23912634-TC-T.
Other names: c.4939del, p.Glu1647fs (NM_001278055.2); short protein forms E1647fs, E1794fs.
Identifiers: ClinVar variation 2709268 (VCV002709268.3), dbSNP rs2542267414, ClinGen allele CA2697551674.

ClinVar aggregate classification (germline): Pathogenic (1 of 4 stars; one submission).

Conditions:
Spastic paraplegia. Identifiers: MedGen C0037772, HP:0001258.

Submission:

Labcorp Genetics (formerly Invitae), Labcorp
Classification: Pathogenic for Spastic paraplegia. Last evaluated: 2024-01-13. Review status: criteria provided, single submitter. Criteria: Invitae Variant Classification Sherloc (09022015). Collection method: clinical testing. Allele origin: germline.
Comment: This sequence change creates a premature translational stop signal (p.Glu1794Lysfs*20) in the SACS gene. While this is not anticipated to result in nonsense mediated decay, it is expected to disrupt the last 2786 amino acid(s) of the SACS protein. This variant is not present in population databases (gnomAD no frequency). This variant has not been reported in the literature in individuals affected with SACS-related conditions. This variant disrupts a region of the SACS protein in which other variant(s) (p.Gln4054*) have been determined to be pathogenic (PMID: 18465152, 27288452; Invitae). This suggests that this is a clinically significant region of the protein, and that variants that disrupt it are likely to be disease-causing. For these reasons, this variant has been classified as Pathogenic.

Literature cited by the submitters: PubMed 18465152; PubMed 27288452.